The following is an entry in ClinVar:

ClinVar aggregate classification (germline): Likely benign. Review status: criteria provided, single submitter (1 of 4 stars). 2 submissions from 2 submitters: Likely benign (1). 1 of the submissions does not count toward it. Last evaluated 2023-09-11.

Conditions:
CDC45-related disorder. Also called: CDC45-related condition.

Allele frequency attached by ClinVar (database versions not stated): gnomAD 0.00001; gnomAD exomes 0.00001; ExAC 0.00002; TOPMed 0.00002.
gnomAD v4.1: 15 of 1,613,432 alleles (0.00093%); highest among the groups gnomAD compares: Middle Eastern, 0.016%; no homozygotes.

Submissions (2):

Labcorp Genetics (formerly Invitae), Labcorp
Classification: Likely benign. Last evaluated: 2023-09-11. Review status: criteria provided, single submitter. Criteria: Invitae Variant Classification Sherloc (09022015). Collection method: clinical testing. Allele origin: germline.

PreventionGenetics, part of Exact Sciences
Classification: Likely benign for CDC45-related condition. Last evaluated: 2019-04-01. Review status: no assertion criteria provided. Collection method: clinical testing. Allele origin: germline. Not counted in ClinVar's aggregate classification.
Comment: This variant is classified as likely benign based on ACMG/AMP sequence variant interpretation guidelines (Richards et al. 2015 PMID: 25741868, with internal and published modifications).

NM_003504.5(CDC45):c.390T>C (p.Tyr130=)

Gene: CDC45 (cell division cycle 45; plus strand). Cytogenetic location: 22q11.21.
Variant type: single nucleotide variant.
Coding change: c.390T>C on transcript NM_003504.5 (MANE Select); coding-DNA position 390, T replaced by C.
Protein change: p.Tyr130=; no amino-acid change (tyrosine 130 retained).
Molecular consequence: synonymous variant. On other transcripts: non-coding transcript variant (1).
Genome position (GRCh38, 1-based): chr22:19,483,909, T>C. VCF-style: chr22-19483909-T-C. GRCh37 (hg19) VCF-style: chr22-19471432-T-C.
Other names: c.390T>C, p.Tyr130= (NM_001178010.2); c.252T>C, p.Tyr84= (NM_001178011.2); c.354T>C, p.Tyr118= (NM_001369291.1).
Identifiers: ClinVar variation 1905670 (VCV001905670.7), dbSNP rs759588471, ClinGen allele CA10101032.